The following is an entry in ClinVar:

NM_001130144.3(LTBP3):c.2245G>C (p.Ala749Pro)

Genes: LTBP3 (latent transforming growth factor beta binding protein 3; minus strand), LOC130006029 (ATAC-STARR-seq lymphoblastoid silent region 3532; plus strand). Cytogenetic location: 11q13.1.
Variant type: single nucleotide variant.
Coding change: c.2245G>C on transcript NM_001130144.3 (MANE Select); coding-DNA position 2245, G replaced by C.
Protein change: p.Ala749Pro; replaces alanine 749 with proline.
Molecular consequence: missense variant.
Genome position (GRCh38, 1-based): chr11:65,546,550, C>G on the plus strand (G>C on the coding strand, the complement: LTBP3 is on the minus strand). VCF-style: chr11-65546550-C-G. GRCh37 (hg19) VCF-style: chr11-65314021-C-G.
Other names: c.2245G>C (NM_001130144.2); c.1894G>C, p.Ala632Pro (NM_001164266.1); c.2245G>C, p.Ala749Pro (NM_021070.4); short protein forms A632P, A749P.
Identifiers: ClinVar variation 3727163 (VCV003727163.3).

ClinVar aggregate classification (germline): Uncertain significance. Review status: criteria provided, multiple submitters, no conflicts (2 of 4 stars). 2 submissions from 2 submitters: Uncertain significance (2). Last evaluated 2025-05-30.

Conditions:
Inborn genetic diseases. Identifiers: MedGen C0950123, MeSH D030342.
Brachyolmia-amelogenesis imperfecta syndrome. Also called: PLATYSPONDYLY WITH AMELOGENESIS IMPERFECTA; Tooth agenesis, selective, 6; Dental anomalies and short stature. Identifiers: Orphanet 2899, MedGen C1832594, MONDO:0011018, OMIM 601216. Disease mechanism: loss of function.

Submissions (2):

Ambry Genetics
Classification: Uncertain significance for Inborn genetic diseases. Last evaluated: 2025-05-30. Review status: criteria provided, single submitter. Criteria: Ambry Variant Classification Scheme 2023. Collection method: clinical testing. Allele origin: germline.
Comment: The p.A749P variant (also known as c.2245G>C), located in coding exon 16 of the LTBP3 gene, results from a G to C substitution at nucleotide position 2245. The alanine at codon 749 is replaced by proline, an amino acid with highly similar properties. This amino acid position is conserved. In addition, this alteration is predicted to be tolerated by in silico analysis. Based on the available evidence, the clinical significance of this variant remains unclear.

Labcorp Genetics (formerly Invitae), Labcorp
Classification: Uncertain significance for Brachyolmia-amelogenesis imperfecta syndrome. Last evaluated: 2024-12-17. Review status: criteria provided, single submitter. Criteria: Invitae Variant Classification Sherloc (09022015). Collection method: clinical testing. Allele origin: germline.
Comment: This sequence change replaces alanine, which is neutral and non-polar, with proline, which is neutral and non-polar, at codon 749 of the LTBP3 protein (p.Ala749Pro). This variant is not present in population databases (gnomAD no frequency). This variant has not been reported in the literature in individuals affected with LTBP3-related conditions. An algorithm developed to predict the effect of missense changes on protein structure and function (PolyPhen-2) suggests that this variant is likely to be disruptive. In summary, the available evidence is currently insufficient to determine the role of this variant in disease. Therefore, it has been classified as a Variant of Uncertain Significance.